The following is an entry in ClinVar:

NM_007194.4(CHEK2):c.338_358delinsG (p.Tyr113fs)

Gene: CHEK2 (checkpoint kinase 2; minus strand). Cytogenetic location: 22q12.1.
Variant type: Indel.
Coding change: c.338_358delinsG on transcript NM_007194.4 (MANE Select); coding-DNA positions 338 to 358, ACTGGTTTGGGAGGGACAAAA replaced by G.
Protein change: p.Tyr113fs; shifts the reading frame from tyrosine 113.
Molecular consequence: frameshift variant.
Genome position (GRCh38, 1-based): chr22:28,725,329-28,725,349, TTTTGTCCCTCCCAAACCAGT replaced by C on the plus strand (ACTGGTTTGGGAGGGACAAAA replaced by G on the coding strand, the reverse complement: CHEK2 is on the minus strand). VCF-style: chr22-28725329-TTTTGTCCCTCCCAAACCAGT-C. GRCh37 (hg19) VCF-style: chr22-29121317-TTTTGTCCCTCCCAAACCAGT-C.
Other names: c.467_487del21insG, p.Tyr156Trpfs (NM_001005735.3); c.-440_-420del21insG (NM_001257387.3); c.338_358del21insG, p.Tyr113Trpfs (NM_001349956.3, NM_145862.3); short protein forms Y113fs, Y156fs.
Identifiers: ClinVar variation 965815 (VCV000965815.6), dbSNP rs2053964098, ClinGen allele CA1139666376.
Genomic context (GRCh38, chr22:28,725,329, plus strand): 5'-TGTATGTTCGGTATTTATCTGTTCTTTTCAGCAGTGGTTCATCAAAGCAATATTCACAGC[TTTTGTCCCTCCCAAACCAGT>C]AGTTGTCATTCACACATTCTGTAATATAAAAGCATGCATCAGAGGGCTGTTGAATTTCAT-3'

ClinVar aggregate classification (germline): Pathogenic (1 of 4 stars; one submission).

Conditions:
Familial cancer of breast. Also called: Hereditary breast cancer; BREAST CANCER, FAMILIAL; hereditary breast carcinoma. Identifiers: Orphanet 227535, MedGen C0346153, MONDO:0016419, OMIM 114480. Disease mechanism: loss of function.

Submission:

Labcorp Genetics (formerly Invitae), Labcorp
Classification: Pathogenic for Familial cancer of breast. Last evaluated: 2019-11-04. Review status: criteria provided, single submitter. Criteria: Invitae Variant Classification Sherloc (09022015). Collection method: clinical testing. Allele origin: germline.
Comment: This variant is not present in population databases (ExAC no frequency). This variant has not been reported in the literature in individuals with CHEK2-related conditions. Loss-of-function variants in CHEK2 are known to be pathogenic (PMID: 21876083, 24713400). For these reasons, this variant has been classified as Pathogenic. This sequence change creates a premature translational stop signal (p.Tyr113Trpfs*3) in the CHEK2 gene. It is expected to result in an absent or disrupted protein product.

Literature cited by the submitters: PubMed 21876083; PubMed 24713400.